The following is an entry in ClinVar:

NC_000003.12:g.169764957G>A

Genes: TERC (telomerase RNA component; minus strand), LOC110806306 (telomerase RNA component (TERC) promoter; plus strand). Cytogenetic location: 3q26.2.
Variant type: single nucleotide variant.
Genome position: GRCh38 VCF-style: chr3-169764957-G-A. GRCh37 (hg19) VCF-style: chr3-169482745-G-A.
Identifiers: ClinVar variation 841657 (VCV000841657.10), dbSNP rs1777963465, ClinGen allele CA436715792.

ClinVar aggregate classification (germline): Uncertain significance (1 of 4 stars; one submission).

Conditions:
Dyskeratosis congenita, autosomal dominant 1 (DKCA1). Also called: Dyskeratosis congenita Scoggins type. Identifiers: Orphanet 1775, MedGen C4551974, MONDO:0007485, OMIM 127550. Inheritance: Variable.

Submission:

Labcorp Genetics (formerly Invitae), Labcorp
Classification: Uncertain significance for Dyskeratosis congenita, autosomal dominant 1. Last evaluated: 2023-01-24. Review status: criteria provided, single submitter. Criteria: Invitae Variant Classification Sherloc (09022015). Collection method: clinical testing. Allele origin: germline.
Comment: This variant occurs in the TERC gene, which encodes an RNA molecule that does not result in a protein product. This variant is not present in population databases (gnomAD no frequency). This variant has not been reported in the literature in individuals affected with TERC-related conditions. ClinVar contains an entry for this variant (Variation ID: 841657). This variant is located within the template/pseudoknot domain of the TERC RNA component, which is required for RNA or RNP stability (PMID: 15082312, 21844345). This variant is located in a region of TERC in which a significant number of disease causing variants have been reported (PMID: 15082312, 21844345, 21931702). These observations suggest that this may be a clinically significant region. In summary, the available evidence is currently insufficient to determine the role of this variant in disease. Therefore, it has been classified as a Variant of Uncertain Significance.

Literature cited by the submitters: PubMed 15082312; PubMed 21844345; PubMed 21931702.